The following is an entry in ClinVar:

NM_012193.4(FZD4):c.1483A>G (p.Ile495Val)

Genes: PRSS23 (serine protease 23; plus strand), FZD4 (frizzled class receptor 4; minus strand). Cytogenetic location: 11q14.2.
Variant type: single nucleotide variant.
Coding change: c.1483A>G on transcript NM_012193.4 (MANE Select); coding-DNA position 1483, A replaced by G.
Protein change: p.Ile495Val; replaces isoleucine 495 with valine.
Molecular consequence: missense variant. On other transcripts: non-coding transcript variant (2).
Genome position (GRCh38, 1-based): chr11:86,951,273, T>C on the plus strand (A>G on the coding strand, the complement: FZD4 is on the minus strand). VCF-style: chr11-86951273-T-C. GRCh37 (hg19) VCF-style: chr11-86662315-T-C.
Other names: short protein forms I495V.
Identifiers: ClinVar variation 1055230 (VCV001055230.9), dbSNP rs201914515, ClinGen allele CA225380399.

ClinVar aggregate classification (germline): Uncertain significance (1 of 4 stars; one submission).

gnomAD v4.1: 1 of 1,614,196 alleles (0.000062%); no homozygotes.

Submission:

Labcorp Genetics (formerly Invitae), Labcorp
Classification: Uncertain significance. Last evaluated: 2020-01-30. Review status: criteria provided, single submitter. Criteria: Invitae Variant Classification Sherloc (09022015). Collection method: clinical testing. Allele origin: germline.
Comment: In summary, the available evidence is currently insufficient to determine the role of this variant in disease. Therefore, it has been classified as a Variant of Uncertain Significance. Algorithms developed to predict the effect of missense changes on protein structure and function are either unavailable or do not agree on the potential impact of this missense change (SIFT: "Deleterious"; PolyPhen-2: "Benign"; Align-GVGD: "Class C0"). This variant has not been reported in the literature in individuals with FZD4-related conditions. This variant is not present in population databases (ExAC no frequency). This sequence change replaces isoleucine with valine at codon 495 of the FZD4 protein (p.Ile495Val). The isoleucine residue is highly conserved and there is a small physicochemical difference between isoleucine and valine.